The following is an entry in ClinVar:

ClinVar aggregate classification (germline): Pathogenic. Review status: criteria provided, multiple submitters, no conflicts (2 of 4 stars). 2 submissions from 2 submitters: Pathogenic (2). Last evaluated 2026-04-13.

Conditions:
Polycystic kidney disease, adult type (PKD1). Also called: Polycystic Kidney Disease 1, Autosomal Dominant; Polycystic kidney disease 1; Polycystic kidney disease 1, severe; Polycystic Kidney, Autosomal Dominant; POLYCYSTIC KIDNEY DISEASE 1 WITH OR WITHOUT POLYCYSTIC LIVER DISEASE; POLYCYSTIC KIDNEY DISEASE, ADULT, TYPE I. Identifiers: MedGen C3149841, MONDO:0008263, OMIM 173900.

Submissions (2):

Women's Health and Genetics/Laboratory Corporation of America, LabCorp
Classification: Pathogenic for Polycystic kidney disease, adult type. Last evaluated: 2026-04-13. Review status: criteria provided, single submitter. Criteria: LabCorp Variant Classification Summary - May 2015. Collection method: clinical testing. Allele origin: germline.
Comment: Variant summary: PKD1 c.7795delC (p.Leu2599CysfsX21) results in a premature termination codon, predicted to cause a truncation of the encoded protein or absence of the protein due to nonsense mediated decay, which are commonly known mechanisms for disease. The variant was absent in 233570 control chromosomes. To our knowledge, no occurrence of c.7795delC in individuals affected with PKD1-related conditions and no experimental evidence demonstrating its impact on protein function have been reported. ClinVar contains an entry for this variant (Variation ID: 3579242). Based on the evidence outlined above, the variant was classified as pathogenic.

Fulgent Genetics
Classification: Pathogenic for Polycystic kidney disease, adult type. Last evaluated: 2024-03-08. Review status: criteria provided, single submitter. Criteria: ACMG Guidelines, 2015. Collection method: clinical testing. Allele origin: germline.

NM_001009944.3(PKD1):c.7795del (p.Leu2599fs)

Gene: PKD1 (polycystin 1, transient receptor potential channel interacting; minus strand). Cytogenetic location: 16p13.3.
Variant type: Deletion.
Coding change: c.7795del on transcript NM_001009944.3 (MANE Select); coding-DNA position 7795, one base deleted (C; older notation c.7795delC).
Protein change: p.Leu2599fs; shifts the reading frame from leucine 2599.
Molecular consequence: frameshift variant.
Genome position (GRCh38, 1-based): chr16:2,105,933, G deleted on the plus strand (C on the coding strand, the reverse complement: PKD1 is on the minus strand). VCF-style (leftmost placement, unchanged base first): chr16-2105932-AG-A. GRCh37 (hg19) VCF-style: chr16-2155933-AG-A.
Other names: c.7795delC (NM_001009944.3); c.7795del, p.Leu2599fs (NM_000296.4); short protein forms L2599fs.
Identifiers: ClinVar variation 3579242 (VCV003579242.2).